The following is an entry in ClinVar:

ClinVar aggregate classification (germline): Uncertain significance (1 of 4 stars; one submission).

Conditions:
Neuroblastoma, susceptibility to, 3. Also called: ALK-Related Neuroblastic Tumor Susceptibility. Identifiers: Orphanet 635, MedGen C2751681, MONDO:0013083, OMIM 613014.

Submission:

Labcorp Genetics (formerly Invitae), Labcorp
Classification: Uncertain significance for Neuroblastoma, susceptibility to, 3. Last evaluated: 2024-04-15. Review status: criteria provided, single submitter. Criteria: Invitae Variant Classification Sherloc (09022015). Collection method: clinical testing. Allele origin: germline.
Comment: This sequence change replaces glycine, which is neutral and non-polar, with alanine, which is neutral and non-polar, at codon 667 of the ALK protein (p.Gly667Ala). This variant is not present in population databases (gnomAD no frequency). This variant has not been reported in the literature in individuals affected with ALK-related conditions. ClinVar contains an entry for this variant (Variation ID: 2006374). An algorithm developed to predict the effect of missense changes on protein structure and function (PolyPhen-2) suggests that this variant is likely to be tolerated. In summary, the available evidence is currently insufficient to determine the role of this variant in disease. Therefore, it has been classified as a Variant of Uncertain Significance.

NM_004304.5(ALK):c.2000G>C (p.Gly667Ala)

Gene: ALK (ALK receptor tyrosine kinase; minus strand). Cytogenetic location: 2p23.2.
Variant type: single nucleotide variant.
Coding change: c.2000G>C on transcript NM_004304.5 (MANE Select); coding-DNA position 2000, G replaced by C.
Protein change: p.Gly667Ala; replaces glycine 667 with alanine.
Molecular consequence: missense variant.
Genome position (GRCh38, 1-based): chr2:29,275,140, C>G on the plus strand (G>C on the coding strand, the complement: ALK is on the minus strand). VCF-style: chr2-29275140-C-G. GRCh37 (hg19) VCF-style: chr2-29498006-C-G.
Other names: short protein forms G667A.
Identifiers: ClinVar variation 2006374 (VCV002006374.4), dbSNP rs1665499933, ClinGen allele CA346479647.